The following is an entry in ClinVar:

ClinVar aggregate classification (germline): Uncertain significance. Review status: criteria provided, multiple submitters, no conflicts (2 of 4 stars). 4 submissions from 4 submitters: Uncertain significance (4). Last evaluated 2024-07-15.

Conditions:
Peutz-Jeghers syndrome (PJS). Also called: Peutz-Jeghers polyposis; Periorificial lentiginosis syndrome; POLYPOSIS, HAMARTOMATOUS INTESTINAL; POLYPS-AND-SPOTS SYNDROME. Identifiers: Orphanet 2869, MedGen C0031269, MeSH D010580, MONDO:0008280, OMIM 175200.

Submissions (4):

Labcorp Genetics (formerly Invitae), Labcorp
Classification: Uncertain significance for Peutz-Jeghers syndrome. Last evaluated: 2024-07-15. Review status: criteria provided, single submitter. Criteria: Invitae Variant Classification Sherloc (09022015). Collection method: clinical testing. Allele origin: germline.
Comment: This sequence change replaces alanine, which is neutral and non-polar, with serine, which is neutral and polar, at codon 414 of the STK11 protein (p.Ala414Ser). This variant is not present in population databases (gnomAD no frequency). This variant has not been reported in the literature in individuals affected with STK11-related conditions. ClinVar contains an entry for this variant (Variation ID: 946614). Advanced modeling of protein sequence and biophysical properties (such as structural, functional, and spatial information, amino acid conservation, physicochemical variation, residue mobility, and thermodynamic stability) performed at Invitae indicates that this missense variant is not expected to disrupt STK11 protein function with a negative predictive value of 95%. In summary, the available evidence is currently insufficient to determine the role of this variant in disease. Therefore, it has been classified as a Variant of Uncertain Significance.

All of Us Research Program, National Institutes of Health
Classification: Uncertain significance for Peutz-Jeghers syndrome. Last evaluated: 2023-04-03. Review status: criteria provided, single submitter. Criteria: ACMG Guidelines, 2015. Collection method: clinical testing. Allele origin: germline. Inheritance: Autosomal dominant inheritance. Observed: 1 variant allele, 1 heterozygote.
Comment: This missense variant replaces alanine with serine at codon 414 of the STK11 protein. Computational prediction suggests that this variant may not impact protein structure and function (internally defined REVEL score threshold <= 0.5, PMID: 27666373). To our knowledge, functional studies have not been reported for this variant. This variant has not been reported in individuals affected with STK11-related disorders in the literature. This variant has not been identified in the general population by the Genome Aggregation Database (gnomAD). The available evidence is insufficient to determine the role of this variant in disease conclusively. Therefore, this variant is classified as a Variant of Uncertain Significance.

This study involves interpretation of variants in research participants for the purpose of population health screening. Participant phenotype was not available at the time of variant classification. Additional details can be found in publication PMID: 35346344, PMCID: PMC8962531

Genome-Nilou Lab
Classification: Uncertain significance for Peutz-Jeghers syndrome. Last evaluated: 2021-07-15. Review status: criteria provided, single submitter. Criteria: ACMG Guidelines, 2015. Collection method: clinical testing. Allele origin: germline. Affected: no.

GeneDx
Classification: Uncertain significance. Last evaluated: 2020-10-30. Review status: criteria provided, single submitter. Criteria: GeneDx Variant Classification Process June 2021. Collection method: clinical testing. Allele origin: germline. Affected: yes.
Comment: Not observed in large population cohorts (Lek 2016); In silico analysis supports that this missense variant does not alter protein structure/function; Has not been previously published as pathogenic or benign to our knowledge

NM_000455.5(STK11):c.1240G>T (p.Ala414Ser)

Gene: STK11 (serine/threonine kinase 11; plus strand). Cytogenetic location: 19p13.3.
Variant type: single nucleotide variant.
Coding change: c.1240G>T on transcript NM_000455.5 (MANE Select); coding-DNA position 1240, G replaced by T.
Protein change: p.Ala414Ser; replaces alanine 414 with serine.
Molecular consequence: missense variant.
Genome position (GRCh38, 1-based): chr19:1,226,585, G>T. VCF-style: chr19-1226585-G-T. GRCh37 (hg19) VCF-style: chr19-1226584-G-T.
Other names: short protein forms A414S.
Identifiers: ClinVar variation 946614 (VCV000946614.14), dbSNP rs2080823635, ClinGen allele CA402953938.